The following is an entry in ClinVar:

ClinVar aggregate classification (germline): Likely pathogenic (1 of 4 stars; one submission).

Conditions:
Autosomal recessive nonsyndromic hearing loss 3. Also called: NEUROSENSORY NONSYNDROMIC RECESSIVE DEAFNESS 3. Identifiers: Orphanet 90636, MedGen C1838263, MONDO:0010860, OMIM 600316.

Submission:

Institute of Rare Diseases, West China Hospital, Sichuan University
Classification: Likely pathogenic for Autosomal recessive nonsyndromic hearing loss 3. Last evaluated: 2025-01-09. Review status: criteria provided, single submitter. Criteria: ClinGen HL ACMG Specifications v1. Collection method: research. Allele origin: germline. Affected: yes.
Comment: PVS1;PM2_Supporting

NM_016239.4(MYO15A):c.3473G>A (p.Trp1158Ter)

Gene: MYO15A (myosin XVA; plus strand). Cytogenetic location: 17p11.2.
Variant type: single nucleotide variant.
Coding change: c.3473G>A on transcript NM_016239.4 (MANE Select); coding-DNA position 3473, G replaced by A.
Protein change: p.Trp1158Ter; replaces tryptophan 1158 with a stop codon.
Molecular consequence: nonsense.
Genome position (GRCh38, 1-based): chr17:18,122,273, G>A. VCF-style: chr17-18122273-G-A. GRCh37 (hg19) VCF-style: chr17-18025587-G-A.
Other names: short protein forms W1158*.
Identifiers: ClinVar variation 3601318 (VCV003601318.1).
Genomic context (GRCh38, chr17:18,122,273, plus strand): 5'-AAGTCCAGCCCATTCAGGACCCCAAGCCAAGAGCCTGTAGTCTTCGCTGGTCCTGCCTCT[G>A]GCTTCGGGCAGATGCCTATGGACCCTGGCCACGAGTACACACCCATCCCCAGTCCTGCCA-3'